The following is an entry in ClinVar:

ClinVar aggregate classification (germline): Uncertain significance (1 of 4 stars; one submission).

Allele frequency attached by ClinVar (database versions not stated): gnomAD exomes 0.00001; TOPMed 0.00003; ExAC 0.00001; gnomAD 0.00002.
gnomAD v4.1: 21 of 1,613,806 alleles (0.0013%); highest among the groups gnomAD compares: African/African-American, 0.0027%; no homozygotes.

Submission:

Labcorp Genetics (formerly Invitae), Labcorp
Classification: Uncertain significance. Last evaluated: 2025-09-23. Review status: criteria provided, single submitter. Criteria: Invitae Variant Classification Sherloc (09022015). Collection method: clinical testing. Allele origin: germline.
Comment: This sequence change replaces isoleucine, which is neutral and non-polar, with threonine, which is neutral and polar, at codon 81 of the DBR1 protein (p.Ile81Thr). This variant is present in population databases (rs755768934, gnomAD 0.007%). This variant has not been reported in the literature in individuals affected with DBR1-related conditions. ClinVar contains an entry for this variant (Variation ID: 2126677). An algorithm developed to predict the effect of missense changes on protein structure and function (PolyPhen-2) suggests that this variant is likely to be disruptive. In summary, the available evidence is currently insufficient to determine the role of this variant in disease. Therefore, it has been classified as a Variant of Uncertain Significance.

NM_016216.4(DBR1):c.242T>C (p.Ile81Thr)

Gene: DBR1 (debranching RNA lariats 1; minus strand). Cytogenetic location: 3q22.3.
Variant type: single nucleotide variant.
Coding change: c.242T>C on transcript NM_016216.4 (MANE Select); coding-DNA position 242, T replaced by C.
Protein change: p.Ile81Thr; replaces isoleucine 81 with threonine.
Molecular consequence: missense variant.
Genome position (GRCh38, 1-based): chr3:138,173,582, A>G on the plus strand (T>C on the coding strand, the complement: DBR1 is on the minus strand). VCF-style: chr3-138173582-A-G. GRCh37 (hg19) VCF-style: chr3-137892424-A-G.
Other names: short protein forms I81T.
Identifiers: ClinVar variation 2126677 (VCV002126677.2), dbSNP rs755768934, ClinGen allele CA2635935.